The following is an entry in ClinVar:

ClinVar aggregate classification (germline): Pathogenic. Review status: criteria provided, multiple submitters, no conflicts (2 of 4 stars). 11 submissions from 11 submitters: Pathogenic (8). 3 of the submissions do not count toward it. Last evaluated 2026-08-01.

Conditions:
Inborn genetic diseases. Identifiers: MedGen C0950123, MeSH D030342.
Charcot-Marie-Tooth disease. Also called: Charcot-Marie-Tooth Neuropathy; Charcot-Marie-Tooth Hereditary Neuropathy. Identifiers: Orphanet 166, MedGen C0007959, MONDO:0015626.
Charcot-Marie-Tooth Neuropathy X. Identifiers: MedGen CN118851.
Charcot-Marie-Tooth disease X-linked dominant 1. Also called: CHARCOT-MARIE-TOOTH NEUROPATHY, X-LINKED, 1; CHARCOT-MARIE-TOOTH PERONEAL MUSCULAR ATROPHY, X-LINKED; HEREDITARY MOTOR AND SENSORY NEUROPATHY, X-LINKED; HMSN, X-LINKED; Charcot-Marie-Tooth Neuropathy X Type 1; X-linked Charcot-Marie-Tooth disease type 1. Identifiers: Orphanet 101075, MedGen C0393808, MONDO:0010549, OMIM 302800.

Allele frequency attached by ClinVar (database versions not stated): gnomAD exomes below 0.00001 and 0.00001.
gnomAD v4.1: 1 of 1,205,727 alleles (0.000083%); highest among the groups gnomAD compares: Non-Finnish European, 0.00011%; no homozygotes.

Submissions (11):

CeGaT Center for Human Genetics Tuebingen
Classification: Pathogenic. Last evaluated: 2026-08-01. Review status: criteria provided, single submitter. Criteria: CeGaT Center For Human Genetics Tuebingen Variant Classification Criteria Version 2. Collection method: clinical testing. Allele origin: germline. Affected: yes. Observed: 3 variant alleles.
Comment: GJB1: PP1:Strong, PS4, PM2

Labcorp Genetics (formerly Invitae), Labcorp
Classification: Pathogenic for Charcot-Marie-Tooth Neuropathy X. Last evaluated: 2026-01-26. Review status: criteria provided, single submitter. Criteria: Invitae Variant Classification Sherloc (09022015). Collection method: clinical testing. Allele origin: germline.
Comment: This sequence change replaces valine, which is neutral and non-polar, with methionine, which is neutral and non-polar, at codon 139 of the GJB1 protein (p.Val139Met). The frequency data for this variant in the population databases is considered unreliable, as metrics indicate poor data quality at this position in the gnomAD database. This missense change has been observed in individuals with Charcot-Marie-Tooth disease (PMID: 7477983, 8266101, 9272161, 9364054). It has also been observed to segregate with disease in related individuals. ClinVar contains an entry for this variant (Variation ID: 10433). Invitae Evidence Modeling of protein sequence and biophysical properties (such as structural, functional, and spatial information, amino acid conservation, physicochemical variation, residue mobility, and thermodynamic stability) has been performed for this missense variant. However, the output from this modeling did not meet the statistical confidence thresholds required to predict the impact of this variant on GJB1 protein function. Experimental studies have shown that this missense change affects GJB1 function (PMID: 8816997, 11325342). For these reasons, this variant has been classified as Pathogenic.

GeneDx
Classification: Pathogenic. Last evaluated: 2025-10-17. Review status: criteria provided, single submitter. Criteria: GeneDx Variant Classification Process June 2021. Collection method: clinical testing. Allele origin: germline. Affected: yes.
Comment: Published functional studies demonstrate this variant exhibits no GJIC capacity function, it demonstrates dominant negative down-regulation of GJIC function when co-expressed with wild type, and it alters the formation and structure of gap junction plaques (PMID: 8816997, 28071741); In silico analysis suggests that this missense variant does not alter protein structure/function; Not observed at significant frequency in large population cohorts (gnomAD); Missense variants in this gene are a common cause of disease and they are underrepresented in the general population; This variant is associated with the following publications: (PMID: 23279425, 11325342, 9364054, 18714809, 7477983, 10093067, 9099841, 10586284, 11438991, 12477701, 8266101, 28071741, 8800924, 10586261, 12402337, 9820654, 32376792, 30340945, 8816997, 37284795, 38375759, 34326750, 38179633, 38871447, 9272161)

Mayo Clinic Laboratories, Mayo Clinic
Classification: Pathogenic. Last evaluated: 2023-03-14. Review status: criteria provided, single submitter. Criteria: ACMG Guidelines, 2015. Collection method: clinical testing. Allele origin: germline. Observed: 1 variant allele.
Comment: PP1_strong, PM5, PS3, PS4

Mendelics
Classification: Pathogenic for Charcot-Marie-Tooth disease X-linked dominant 1. Last evaluated: 2022-05-04. Review status: criteria provided, single submitter. Criteria: Mendelics Assertion Criteria 2019. Collection method: clinical testing. Allele origin: germline.

Fulgent Genetics
Classification: Pathogenic for Charcot-Marie-Tooth disease X-linked dominant 1. Last evaluated: 2021-09-11. Review status: criteria provided, single submitter. Criteria: ACMG Guidelines, 2015. Collection method: clinical testing. Allele origin: unknown.

Laboratório de Neurologia Aplicada e Experimental, Faculdade de Medicina de Ribeirao Preto – Universidade de Sao Paulo
Classification: Pathogenic for Charcot-Marie-Tooth disease X-linked dominant 1. Last evaluated: 2021-07-20. Review status: criteria provided, single submitter. Criteria: ACMG Guidelines, 2015. Collection method: research. Allele origin: germline. Inheritance: X-linked inheritance. Affected: yes. Observed: 1 heterozygote.
Comment: 3. The p.Val139Met variant in GJB1 has been reported in several families worldwide with Charcot-Marie-Tooth Neuropathy X linked. ClinVar classifies this variant as Pathogenic (Variation ID:10433), 1 star (criteria provided, 4 submissions), citing 7 articles (12402337, 11325342, 9364054, 9272161, 8816997 and 2 more). This variant is in a hotspot region and an important functional domain of the protein (M3). Besides that, this variant segregates with family phenotype. In summary, the p.Val139Met meets our criteria to be classified as pathogenic.

Ambry Genetics
Classification: Pathogenic for Inborn genetic diseases. Last evaluated: 2021-01-15. Review status: criteria provided, single submitter. Criteria: Ambry Variant Classification Scheme 2023. Collection method: clinical testing. Allele origin: germline.
Comment: The p.V139M pathogenic mutation (also known as c.415G>A), located in coding exon 1 of the GJB1 gene, results from a G to A substitution at nucleotide position 415. The valine at codon 139 is replaced by methionine, an amino acid with highly similar properties. This variant has been detected in several individuals with Charcot-Marie-Tooth neuropathy X type 1 (CMTX1), and it has been found to segregate with CMTX1 in multiple families (Bergoffen J et al. Science, 1993 Dec;262:2039-42; Fain PR et al. Am J Hum Genet, 1994 Feb;54:229-35; Halbrich M et al. Can J Neurol Sci, 2008 Jul;35:372-4; Hoebeke C et al. Arch Pediatr, 2018 Nov;25:452-458; Hong YB et al. J Peripher Nerv Syst, 2017 09;22:172-181; Silander K et al. Hum Genet, 1997 Sep;100:391-7). Functional studies indicate that this alteration impairs gap junction formation and results in altered pattern of trafficking and localization (Omori Y et al. Mol Biol Cell, 1996 Jun;7:907-16; Desch&ecirc;nes SM et al. J Neurosci, 1997 Dec;17:9077-84; Abrams CK et al. Brain Res, 2001 May;900:9-25; Abrams CK et al. Sci Rep, 2017 01;7:40166). Based on the supporting evidence, this alteration is interpreted as a disease-causing mutation.

OMIM
Classification: Pathogenic for CHARCOT-MARIE-TOOTH DISEASE, X-LINKED DOMINANT, 1. Last evaluated: 1995-10-01. Review status: no assertion criteria provided. Collection method: literature only. Allele origin: germline. Not counted in ClinVar's aggregate classification.

GeneReviews
No classification provided. Condition: Charcot-Marie-Tooth disease X-linked dominant 1. Review status: no classification provided. Collection method: literature only. Allele origin: unknown. Not counted in ClinVar's aggregate classification.

Inherited Neuropathy Consortium
Classification: Uncertain significance for Charcot-Marie-Tooth disease. Review status: no assertion criteria provided. Collection method: literature only. Allele origin: germline. Affected: yes. Not counted in ClinVar's aggregate classification.

Literature cited by the submitters: PubMed 7477983 (cited by 3 submitters); PubMed 8266101 (cited by 5 submitters); PubMed 9272161 (cited by 3 submitters); PubMed 9364054 (cited by 4 submitters); PubMed 8816997 (cited by 4 submitters); PubMed 11325342 (cited by 3 submitters); PubMed 30340945 (cited by Mayo Clinic Laboratories, Mayo Clinic and Ambry Genetics); PubMed 34326750 (cited by Mayo Clinic Laboratories, Mayo Clinic); PubMed 12402337 (cited by Laboratório de Neurologia Aplicada e Experimental, Faculdade de Medicina de Ribeirao Preto – Universidade de Sao Paulo and Inherited Neuropathy Consortium); PubMed 18714809 (cited by Ambry Genetics); PubMed 28071741 (cited by Ambry Genetics); PubMed 28448691 (cited by Ambry Genetics); PubMed 8304339 (cited by Ambry Genetics); PubMed 20301548 (cited by GeneReviews); NCBI Bookshelf NBK1374 (cited by GeneReviews).

NM_000166.6(GJB1):c.415G>A (p.Val139Met)

Gene: GJB1 (gap junction protein beta 1; plus strand). Cytogenetic location: Xq13.1.
Variant type: single nucleotide variant.
Coding change: c.415G>A on transcript NM_000166.6 (MANE Select); coding-DNA position 415, G replaced by A.
Protein change: p.Val139Met; replaces valine 139 with methionine.
Molecular consequence: missense variant.
Genome position (GRCh38, 1-based): chrX:71,224,122, G>A. VCF-style: chrX-71224122-G-A. GRCh37 (hg19) VCF-style: chrX-70443972-G-A.
Other names: chrX:71224122 G>A; c.415G>A, p.Val139Met (NM_001097642.3); short protein forms V139M.
Identifiers: ClinVar variation 10433 (VCV000010433.72), dbSNP rs104894812, ClinGen allele CA340967.
Genomic context (GRCh38, chrX:71,224,122, plus strand): 5'-GAGGTGAAGAGGCACAAGGTCCACATCTCAGGGACACTGTGGTGGACCTATGTCATCAGC[G>A]TGGTGTTCCGGCTGTTGTTTGAGGCCGTCTTCATGTATGTCTTTTATCTGCTCTACCCTG-3'
Protein context (NP_000157.1, residues 129-149): GTLWWTYVIS[Val139Met]VFRLLFEAVF